The following is an entry in ClinVar:

NM_006390.4(IPO8):c.1428+5G>A

Gene: IPO8 (importin 8; minus strand). Cytogenetic location: 12p11.21.
Variant type: single nucleotide variant.
Coding change: c.1428+5G>A on transcript NM_006390.4 (MANE Select); 5 bases into the intron after coding-DNA position 1428, G replaced by A.
Molecular consequence: intron variant.
Genome position (GRCh38, 1-based): chr12:30,665,215, C>T on the plus strand (G>A on the coding strand, the complement: IPO8 is on the minus strand). VCF-style: chr12-30665215-C-T. GRCh37 (hg19) VCF-style: chr12-30818149-C-T.
Other names: IVS12, G-A, +5; c.813+5G>A (NM_001190995.2).
Identifiers: ClinVar variation 1047911 (VCV001047911.3), dbSNP rs2136152576, ClinGen allele CA2499221609.

ClinVar aggregate classification (germline): Pathogenic. Review status: criteria provided, single submitter (1 of 4 stars). 2 submissions from 2 submitters: Pathogenic (1). 1 of the submissions does not count toward it. Last evaluated 2021-03-18.

Conditions:
VISS syndrome. Also called: VASCULAR ANEURYSM, IMMUNE DYSREGULATION, SKELETAL ANOMALIES, AND SKIN AND JOINT LAXITY. Identifiers: MedGen C5561955, MONDO:0859177, OMIM 619472.
IPO8-related aortopathy.

Allele frequency attached by ClinVar (database versions not stated): gnomAD exomes below 0.00001.
gnomAD v4.1: 1 of 1,451,980 alleles (0.000069%); highest among the groups gnomAD compares: Non-Finnish European, 0.000095%; no homozygotes.

Submissions (2):

Centre of Medical Genetics, University of Antwerp
Classification: Pathogenic for IPO8-related aortopathy. Last evaluated: 2021-03-18. Review status: criteria provided, single submitter. Criteria: ACMG Guidelines, 2015. Collection method: research. Allele origin: maternal. Affected: yes.
Comment: PVS1, PM2, PM3

OMIM
Classification: Pathogenic for VISS SYNDROME. Last evaluated: 2021-08-05. Review status: no assertion criteria provided. Collection method: literature only. Allele origin: germline. Not counted in ClinVar's aggregate classification.

Literature cited by the submitters: PubMed 34010605 (cited by Centre of Medical Genetics, University of Antwerp and OMIM).